The following is an entry in ClinVar:

ClinVar aggregate classification (germline): Uncertain significance. Review status: criteria provided, multiple submitters, no conflicts (2 of 4 stars). 2 submissions from 2 submitters: Uncertain significance (2). Last evaluated 2023-08-18.

Conditions:
POLD1-related polyposis and colorectal cancer syndrome (CRCS10). Also called: Colorectal cancer, susceptibility to, 10; Colorectal cancer 10; COLORECTAL CANCER, SUSCEPTIBILITY TO, ON CHROMOSOME 19q. Identifiers: Orphanet 220460, MedGen C2675481, MONDO:0012953, OMIM 612591.
Hereditary cancer-predisposing syndrome. Also called: Hereditary Cancer Syndrome; Hereditary neoplastic syndrome; Neoplastic Syndromes, Hereditary; Tumor predisposition. Identifiers: Orphanet 140162, MedGen C0027672, MeSH D009386, MONDO:0015356.

Allele frequency attached by ClinVar (database versions not stated): TOPMed below 0.00001; ExAC 0.00002.
gnomAD v4.1: 3 of 1,612,308 alleles (0.00019%); highest among the groups gnomAD compares: Non-Finnish European, 0.00025%; no homozygotes.

Submissions (2):

Labcorp Genetics (formerly Invitae), Labcorp
Classification: Uncertain significance for POLD1-related polyposis and colorectal cancer syndrome. Last evaluated: 2023-08-18. Review status: criteria provided, single submitter. Criteria: Invitae Variant Classification Sherloc (09022015). Collection method: clinical testing. Allele origin: germline.
Comment: In summary, the available evidence is currently insufficient to determine the role of this variant in disease. Therefore, it has been classified as a Variant of Uncertain Significance. Advanced modeling of protein sequence and biophysical properties (such as structural, functional, and spatial information, amino acid conservation, physicochemical variation, residue mobility, and thermodynamic stability) performed at Invitae indicates that this missense variant is not expected to disrupt POLD1 protein function. This variant has not been reported in the literature in individuals affected with POLD1-related conditions. This variant is present in population databases (rs755163951, gnomAD 0.002%). This sequence change replaces glutamic acid, which is acidic and polar, with aspartic acid, which is acidic and polar, at codon 777 of the POLD1 protein (p.Glu777Asp).

Ambry Genetics
Classification: Uncertain significance for Hereditary cancer-predisposing syndrome. Last evaluated: 2023-06-21. Review status: criteria provided, single submitter. Criteria: Ambry Variant Classification Scheme 2023. Collection method: clinical testing. Allele origin: germline.
Comment: The p.E777D variant (also known as c.2331G>T), located in coding exon 18 of the POLD1 gene, results from a G to T substitution at nucleotide position 2331. The glutamic acid at codon 777 is replaced by aspartic acid, an amino acid with highly similar properties. This amino acid position is conserved. In addition, this alteration is predicted to be tolerated by in silico analysis. Since supporting evidence is limited at this time, the clinical significance of this alteration remains unclear.

NM_002691.4(POLD1):c.2331G>T (p.Glu777Asp)

Gene: POLD1 (DNA polymerase delta 1, catalytic subunit; plus strand). Cytogenetic location: 19q13.33.
Variant type: single nucleotide variant.
Coding change: c.2331G>T on transcript NM_002691.4 (MANE Select); coding-DNA position 2331, G replaced by T.
Protein change: p.Glu777Asp; replaces glutamic acid 777 with aspartic acid.
Molecular consequence: missense variant. On other transcripts: non-coding transcript variant (1).
Genome position (GRCh38, 1-based): chr19:50,413,822, G>T. VCF-style: chr19-50413822-G-T. GRCh37 (hg19) VCF-style: chr19-50917079-G-T.
Other names: c.2331G>T, p.Glu777Asp (NM_001256849.1); c.2409G>T, p.Glu803Asp (NM_001308632.1); short protein forms E777D, E803D.
Identifiers: ClinVar variation 2624521 (VCV002624521.4), dbSNP rs755163951, ClinGen allele CA9596485.